The following is an entry in ClinVar:

NM_001267550.2(TTN):c.48639-2A>C

Genes: TTN-AS1 (TTN antisense RNA 1; plus strand), TTN (titin; minus strand), LOC126806426 (BRD4-independent group 4 enhancer GRCh37_chr2:179478848-179480047; plus strand). Cytogenetic location: 2q31.2.
Variant type: single nucleotide variant.
Coding change: c.48639-2A>C on transcript NM_001267550.2 (MANE Select); the canonical splice acceptor site of the intron before coding-DNA position 48639, A replaced by C.
Molecular consequence: splice acceptor variant.
Genome position (GRCh38, 1-based): chr2:178,614,970, T>G on the plus strand (A>C on the coding strand, the complement: TTN is on the minus strand). VCF-style: chr2-178614970-T-G. GRCh37 (hg19) VCF-style: chr2-179479697-T-G.
Other names: c.21444-2A>C (NM_003319.4); c.22020-2A>C (NM_133437.4); c.21819-2A>C (NM_133432.3); c.40935-2A>C (NM_133378.4); c.43716-2A>C (NM_001256850.1).
Identifiers: ClinVar variation 3377397 (VCV003377397.1).
Genomic context (GRCh38, chr2:178,614,970, plus strand): 5'-TTAAGGCCTTCACGCGGTAGGCATACCATTTGCCTTCCTCAAGACCTGTCACTTCCATTC[T>G]GTCAGAAAACAGAATAGGATGTTTTACTGTGATGTCGATAATCGTTTCATTGTGTAGTAC-3'

ClinVar aggregate classification (germline): Likely pathogenic (1 of 4 stars; one submission).

Conditions:
Dilated cardiomyopathy 1G (CMD1G). Identifiers: Orphanet 154, MedGen C1858763, MONDO:0011400, OMIM 604145.

gnomAD v4.1: 1 of 1,595,670 alleles (0.000063%); highest among the groups gnomAD compares: Non-Finnish European, 0.000085%; no homozygotes.

Submission:

Victorian Clinical Genetics Services, Murdoch Childrens Research Institute
Classification: Likely pathogenic for Dilated cardiomyopathy 1G. Last evaluated: 2023-12-21. Review status: criteria provided, single submitter. Criteria: ACMG Guidelines, 2015. Collection method: clinical testing. Allele origin: germline. Inheritance: Autosomal dominant inheritance. Affected: yes.
Comment: Based on the classification scheme VCGS_Germline_v1.3.4, this variant is classified as Likely pathogenic. Following criteria are met: 0102 - Loss of function is known mechanism of disease in this gene. In addition, dominant-negative is also a suggested mechanism. (PMID: 25589632). (I) 0108 - This gene is associated with both recessive and dominant disease (OMIM). (I) 0112 - The condition associated with this gene has incomplete penetrance. Variants in this gene that result in a premature truncating codon (PTC) are known to have reduced penetrance in DCM (PMID: 25589632). (I) 0211 - Canonical splice site variant without proven consequence on splicing (no functional evidence available). (SP) 0251 - This variant is heterozygous. (I) 0301 - Variant is absent from gnomAD (both v2 and v3). (SP) 0505 - Abnormal splicing is predicted by in silico tools and affected nucleotide is highly conserved. (SP) 0600 - Variant is located in the annotated A-band and the nearest exon has a PSI score of 100 (PMID: 25589632). (I) 0705 - No comparable canonical splice variants have previous evidence for pathogenicity. (I) 0807 - This variant has no previous evidence of pathogenicity. (I) 0905 - No published segregation evidence has been identified for this variant. (I) 1007 - No published functional evidence has been identified for this variant. (I) 1208 - Inheritance information for this variant is not currently available in this individual. (I) Legend: (SP) - Supporting pathogenic, (I) - Information, (SB) - Supporting benign

Literature cited by the submitters: PubMed 25589632.